The following is an entry in ClinVar:

ClinVar aggregate classification (germline): Uncertain significance. Review status: criteria provided, multiple submitters, no conflicts (2 of 4 stars). 3 submissions from 3 submitters: Uncertain significance (3). Last evaluated 2025-11-11.

Allele frequency attached by ClinVar (database versions not stated): gnomAD exomes 0.00002 and 0.00004; TOPMed 0.00004; gnomAD 0.00007; 1000 Genomes Project 30x 0.00016; ExAC 0.00028.

Submissions (3):

Labcorp Genetics (formerly Invitae), Labcorp
Classification: Uncertain significance. Last evaluated: 2025-11-11. Review status: criteria provided, single submitter. Criteria: Invitae Variant Classification Sherloc (09022015). Collection method: clinical testing. Allele origin: germline.
Comment: This sequence change replaces asparagine, which is neutral and polar, with serine, which is neutral and polar, at codon 1469 of the DCHS1 protein (p.Asn1469Ser). This variant is present in population databases (rs765161526, gnomAD 0.06%). This variant has not been reported in the literature in individuals affected with DCHS1-related conditions. ClinVar contains an entry for this variant (Variation ID: 1304886). Invitae Evidence Modeling of protein sequence and biophysical properties (such as structural, functional, and spatial information, amino acid conservation, physicochemical variation, residue mobility, and thermodynamic stability) indicates that this missense variant is not expected to disrupt DCHS1 protein function with a negative predictive value of 80%. In summary, the available evidence is currently insufficient to determine the role of this variant in disease. Therefore, it has been classified as a Variant of Uncertain Significance.

Blueprint Genetics
Classification: Uncertain significance. Last evaluated: 2023-03-22. Review status: criteria provided, single submitter. Criteria: ACMG Guidelines, 2015. Collection method: clinical testing. Allele origin: germline.

GeneDx
Classification: Uncertain significance. Last evaluated: 2019-07-03. Review status: criteria provided, single submitter. Criteria: GeneDx Variant Classification Process June 2021. Collection method: clinical testing. Allele origin: germline. Affected: yes.
Comment: In silico analysis, which includes protein predictors and evolutionary conservation, supports a deleterious effect; Has not been previously published as pathogenic or benign to our knowledge

NM_003737.4(DCHS1):c.4406A>G (p.Asn1469Ser)

Gene: DCHS1 (dachsous cadherin-related 1; minus strand). Cytogenetic location: 11p15.4.
Variant type: single nucleotide variant.
Coding change: c.4406A>G on transcript NM_003737.4 (MANE Select); coding-DNA position 4406, A replaced by G.
Protein change: p.Asn1469Ser; replaces asparagine 1469 with serine.
Molecular consequence: missense variant.
Genome position (GRCh38, 1-based): chr11:6,630,388, T>C on the plus strand (A>G on the coding strand, the complement: DCHS1 is on the minus strand). VCF-style: chr11-6630388-T-C. GRCh37 (hg19) VCF-style: chr11-6651619-T-C.
Other names: short protein forms N1469S.
Identifiers: ClinVar variation 1304886 (VCV001304886.5), dbSNP rs765161526, ClinGen allele CA5860336.